The following is an entry in ClinVar:

ClinVar aggregate classification (germline): Uncertain significance (1 of 4 stars; one submission).

Submission:

Labcorp Genetics (formerly Invitae), Labcorp
Classification: Uncertain significance. Last evaluated: 2024-07-12. Review status: criteria provided, single submitter. Criteria: Invitae Variant Classification Sherloc (09022015). Collection method: clinical testing. Allele origin: germline.
Comment: This sequence change replaces aspartic acid, which is acidic and polar, with valine, which is neutral and non-polar, at codon 213 of the TLR7 protein (p.Asp213Val). This variant is not present in population databases (gnomAD no frequency). This variant has not been reported in the literature in individuals affected with TLR7-related conditions. An algorithm developed to predict the effect of missense changes on protein structure and function (PolyPhen-2) suggests that this variant is likely to be tolerated. In summary, the available evidence is currently insufficient to determine the role of this variant in disease. Therefore, it has been classified as a Variant of Uncertain Significance.

NM_016562.4(TLR7):c.638A>T (p.Asp213Val)

Gene: TLR7 (toll like receptor 7; plus strand). Cytogenetic location: Xp22.2.
Variant type: single nucleotide variant.
Coding change: c.638A>T on transcript NM_016562.4 (MANE Select); coding-DNA position 638, A replaced by T.
Protein change: p.Asp213Val; replaces aspartic acid 213 with valine.
Molecular consequence: missense variant.
Genome position (GRCh38, 1-based): chrX:12,886,146, A>T. VCF-style: chrX-12886146-A-T. GRCh37 (hg19) VCF-style: chrX-12904265-A-T.
Other names: short protein forms D213V.
Identifiers: ClinVar variation 3658691 (VCV003658691.2).